The following is an entry in ClinVar:

ClinVar aggregate classification (germline): Uncertain significance (1 of 4 stars; one submission).

Submission:

GeneDx
Classification: Uncertain significance. Last evaluated: 2023-12-19. Review status: criteria provided, single submitter. Criteria: GeneDx Variant Classification Process June 2021. Collection method: clinical testing. Allele origin: germline. Affected: yes.
Comment: Not observed at significant frequency in large population cohorts (gnomAD); In silico analysis supports that this missense variant has a deleterious effect on protein structure/function; Has not been previously published as pathogenic or benign to our knowledge

NM_001282531.3(ADNP):c.527T>C (p.Leu176Pro)

Gene: ADNP (activity dependent neuroprotector homeobox; minus strand). Cytogenetic location: 20q13.13.
Variant type: single nucleotide variant.
Coding change: c.527T>C on transcript NM_001282531.3 (MANE Select); coding-DNA position 527, T replaced by C.
Protein change: p.Leu176Pro; replaces leucine 176 with proline.
Molecular consequence: missense variant.
Genome position (GRCh38, 1-based): chr20:50,894,187, A>G on the plus strand (T>C on the coding strand, the complement: ADNP is on the minus strand). VCF-style: chr20-50894187-A-G. GRCh37 (hg19) VCF-style: chr20-49510724-A-G.
Other names: c.527T>C, p.Leu176Pro (NM_001282532.2, NM_001347511.2, NM_015339.5 and 1 more transcripts); short protein forms L176P.
Identifiers: ClinVar variation 3365822 (VCV003365822.1).